The following is an entry in ClinVar:

ClinVar aggregate classification (germline): Benign. Review status: criteria provided, multiple submitters, no conflicts (2 of 4 stars). 8 submissions from 8 submitters: Benign (8). Last evaluated 2026-02-03.

Conditions:
Koolen-de Vries syndrome (KDVS). Identifiers: Orphanet 96169, MedGen C1864871, MONDO:0012496, OMIM 610443.

Allele frequency attached by ClinVar (database versions not stated): 1000 Genomes Project 30x 0.31027; 1000 Genomes Project 0.31290; TOPMed 0.32109; gnomAD 0.34127 and 0.34689; ESP Exome Variant Server 0.34638; gnomAD exomes 0.37491; ExAC 0.37750.
gnomAD v4.1: 625,758 of 1,613,746 alleles (39%); highest among the groups gnomAD compares: South Asian, 57%; 126,362 homozygotes.

Submissions (8):

Labcorp Genetics (formerly Invitae), Labcorp
Classification: Benign for Koolen-de Vries syndrome. Last evaluated: 2026-02-03. Review status: criteria provided, single submitter. Criteria: Invitae Variant Classification Sherloc (09022015). Collection method: clinical testing. Allele origin: germline.

Blueprint Genetics
Classification: Benign. Last evaluated: 2024-11-28. Review status: criteria provided, single submitter. Criteria: ACMG Guidelines, 2015. Collection method: clinical testing. Allele origin: germline.

Fulgent Genetics
Classification: Benign for Koolen-de Vries syndrome. Last evaluated: 2021-09-20. Review status: criteria provided, single submitter. Criteria: ACMG Guidelines, 2015. Collection method: clinical testing. Allele origin: unknown.

Mendelics
Classification: Benign for Koolen-de Vries syndrome. Last evaluated: 2019-05-28. Review status: criteria provided, single submitter. Criteria: Mendelics Assertion Criteria 2017. Collection method: clinical testing. Allele origin: unknown.

Mayo Clinic Laboratories, Mayo Clinic
Classification: Benign. Last evaluated: 2018-04-02. Review status: criteria provided, single submitter. Criteria: ACMG Guidelines, 2015. Collection method: clinical testing. Allele origin: germline. Observed: 304 variant alleles.

Athena Diagnostics
Classification: Benign. Last evaluated: 2017-04-20. Review status: criteria provided, single submitter. Criteria: Athena Diagnostics Criteria. Collection method: clinical testing. Allele origin: germline.

GeneDx
Classification: Benign. Last evaluated: 2015-03-03. Review status: criteria provided, single submitter. Criteria: GeneDx Variant Classification Process June 2021. Collection method: clinical testing. Allele origin: germline. Affected: yes.
Comment: This variant is associated with the following publications: (PMID: 23909765)

Breakthrough Genomics
Classification: Benign. Review status: criteria provided, single submitter. Criteria: ACMG Guidelines, 2015. Collection method: not provided. Allele origin: germline. Inheritance: Autosomal dominant inheritance. Affected: yes.

NM_015443.4(KANSL1):c.3029C>T (p.Pro1010Leu)

Gene: KANSL1 (KAT8 regulatory NSL complex subunit 1). Cytogenetic location: 17q21.31.
Variant type: single nucleotide variant.
Coding change: c.3029C>T on transcript NM_015443.4 (MANE Select); coding-DNA position 3029, C replaced by T.
Protein change: p.Pro1010Leu; replaces proline 1010 with leucine.
Molecular consequence: missense variant.
Genome position (GRCh38, 1-based): chr17:46,032,108, G>A on the plus strand (C>T on the coding strand, the complement: KANSL1 is on the minus strand). VCF-style: chr17-46032108-G-A. GRCh37 (hg19) VCF-style: chr17-44109474-G-A.
Other names: p.Pro1010Leu; c.3026C>T, p.Pro1009Leu (NM_001193465.2); c.3029C>T, p.Pro1010Leu (NM_001193466.2, NM_001379198.1); short protein forms P1010L, P1009L.
Identifiers: ClinVar variation 323764 (VCV000323764.20), dbSNP rs7220988, ClinGen allele CA8618398.